The following is an entry in ClinVar:

NM_004837.4(GGPS1):c.764G>A (p.Gly255Asp)

Gene: GGPS1 (geranylgeranyl diphosphate synthase 1; plus strand). Cytogenetic location: 1q42.3.
Variant type: single nucleotide variant.
Coding change: c.764G>A on transcript NM_004837.4 (MANE Select); coding-DNA position 764, G replaced by A.
Protein change: p.Gly255Asp; replaces glycine 255 with aspartic acid.
Molecular consequence: missense variant.
Genome position (GRCh38, 1-based): chr1:235,342,633, G>A. VCF-style: chr1-235342633-G-A. GRCh37 (hg19) VCF-style: chr1-235505948-G-A.
Other names: c.764G>A, p.Gly255Asp (NM_001037277.1, NM_001371477.1, NM_001371478.1); c.602G>A, p.Gly201Asp (NM_001037278.2); short protein forms G201D, G255D.
Identifiers: ClinVar variation 1878661 (VCV001878661.1), dbSNP rs2528261042, ClinGen allele CA344975634.

ClinVar aggregate classification (germline): Uncertain significance (1 of 4 stars; one submission).

Conditions:
Muscular dystrophy, congenital hearing loss, and ovarian insufficiency syndrome. Identifiers: MedGen C5561980, MONDO:0859189, OMIM 619518.

Allele frequency attached by ClinVar (database versions not stated): gnomAD exomes below 0.00001.
gnomAD v4.1: 1 of 1,611,776 alleles (0.000062%); highest among the groups gnomAD compares: South Asian, 0.0011%; no homozygotes.

Submission:

Neuberg Centre For Genomic Medicine, NCGM
Classification: Uncertain significance for Muscular dystrophy, congenital hearing loss, and ovarian insufficiency syndrome. Review status: criteria provided, single submitter. Criteria: ACMG Guidelines, 2015. Collection method: clinical testing. Allele origin: germline. Affected: yes.
Comment: The missense variant p.G255D in GGPS1 (NM_004837.4) has not been reported previously as a pathogenic variant nor as a benign variant, to our knowledge. The p.G255D variant is novel (not in any individuals) in gnomAD Exomes and is novel (not in any individuals) in 1000 Genomes. The p.G255D missense variant is predicted to be damaging by both SIFT and PolyPhen2. The glycine residue at codon 255 of GGPS1 is conserved in all mammalian species. The nucleotide c.764 in GGPS1 is predicted conserved by GERP++ and PhyloP across 100 vertebrates. For these reasons, this variant has been classified as Uncertain Significance.